The following is an entry in ClinVar:

ClinVar aggregate classification (germline): Conflicting classifications of pathogenicity. Review status: criteria provided, conflicting classifications (1 of 4 stars). 3 submissions from 3 submitters: Uncertain significance (2); Likely benign (1). Last evaluated 2025-06-17.

Conditions:
Hereditary cancer-predisposing syndrome. Also called: Neoplastic Syndromes, Hereditary; Tumor predisposition; Hereditary Cancer Syndrome; Hereditary neoplastic syndrome. Identifiers: Orphanet 140162, MedGen C0027672, MeSH D009386, MONDO:0015356.
Hereditary breast ovarian cancer syndrome. Also called: Hereditary breast and ovarian cancer; Hereditary breast and/or ovarian cancer syndrome; BRCA1- and BRCA2-Associated Hereditary Breast and Ovarian Cancer; Hereditary breast and ovarian cancer syndrome (HBOC); Hereditary breast and ovarian cancer syndrome; Breast and ovarian cancer. Identifiers: Orphanet 145, MedGen C0677776, MeSH D061325, MONDO:0003582. Disease mechanism: loss of function.

Allele frequency attached by ClinVar (database versions not stated): gnomAD below 0.00001 and 0.00001.

Submissions (3):

Quest Diagnostics Nichols Institute San Juan Capistrano
Classification: Uncertain significance. Last evaluated: 2025-06-17. Review status: criteria provided, single submitter. Criteria: Quest Diagnostics criteria. Collection method: clinical testing. Allele origin: unknown.
Comment: The BRCA2 c.8321T>G (p.Leu2774Arg) variant has been reported in individuals undergoing genetic testing for hereditary cancer (PMID: 31853058 (2020)). Experimental studies indicate this variant retained functional homology-directed DNA repair activity (PMID: 35736817 (2022), 33609447 (2021)), and had benign effects on cell proliferation in a saturation genome editing assay (PMID: 39779848 (2025)). The frequency of this variant in the general population (Genome Aggregation Database) is uninformative in the assessment of its pathogenicity. Analysis of this variant using bioinformatics tools for the prediction of the effect of amino acid changes on protein structure and function yielded predictions that this variant is damaging. Based on the available information, we are unable to determine the clinical significance of this variant.

Labcorp Genetics (formerly Invitae), Labcorp
Classification: Uncertain significance for Hereditary breast ovarian cancer syndrome. Last evaluated: 2023-12-31. Review status: criteria provided, single submitter. Criteria: Invitae Variant Classification Sherloc (09022015). Collection method: clinical testing. Allele origin: germline.
Comment: This sequence change replaces leucine, which is neutral and non-polar, with arginine, which is basic and polar, at codon 2774 of the BRCA2 protein (p.Leu2774Arg). This variant is not present in population databases (gnomAD no frequency). This variant has not been reported in the literature in individuals affected with BRCA2-related conditions. ClinVar contains an entry for this variant (Variation ID: 186858). Advanced modeling performed at Invitae incorporating data from internal and/or published experimental studies (PMID: 33609447) indicates that this missense variant is not expected to disrupt BRCA2 function with a negative predictive value of 95%. In summary, the available evidence is currently insufficient to determine the role of this variant in disease. Therefore, it has been classified as a Variant of Uncertain Significance.

Ambry Genetics
Classification: Likely benign for Hereditary cancer-predisposing syndrome. Last evaluated: 2020-02-12. Review status: criteria provided, single submitter. Criteria: Ambry Variant Classification Scheme 2023. Collection method: clinical testing. Allele origin: germline.

Literature cited by the submitters: PubMed 39779848 (cited by Quest Diagnostics Nichols Institute San Juan Capistrano); PubMed 35736817 (cited by Quest Diagnostics Nichols Institute San Juan Capistrano); PubMed 33609447 (cited by Quest Diagnostics Nichols Institute San Juan Capistrano and Labcorp Genetics (formerly Invitae), Labcorp); PubMed 31853058 (cited by Quest Diagnostics Nichols Institute San Juan Capistrano).

NM_000059.4(BRCA2):c.8321T>G (p.Leu2774Arg)

Gene: BRCA2 (BRCA2 DNA repair associated; plus strand). Cytogenetic location: 13q13.1.
Variant type: single nucleotide variant.
Coding change: c.8321T>G on transcript NM_000059.4 (MANE Select); coding-DNA position 8321, T replaced by G.
Protein change: p.Leu2774Arg; replaces leucine 2774 with arginine.
Molecular consequence: missense variant.
Genome position (GRCh38, 1-based): chr13:32,363,523, T>G. VCF-style: chr13-32363523-T-G. GRCh37 (hg19) VCF-style: chr13-32937660-T-G.
Other names: short protein forms L2774R.
Identifiers: ClinVar variation 186858 (VCV000186858.16), dbSNP rs786203278, ClinGen allele CA025569.
Genomic context (GRCh38, chr13:32,363,523, plus strand): 5'-ATGGAGCAGAACTGGTGGGCTCTCCTGATGCCTGTACACCTCTTGAAGCCCCAGAATCTC[T>G]TATGTTAAAGGTAAATTAATTTGCACTCTTGGTAAAAATCAGTCATTGATTCAGTTAAAT-3'
Protein context (NP_000050.3, residues 2764-2784): ACTPLEAPES[Leu2774Arg]MLKISANSTR